The following is an entry in ClinVar:

ClinVar aggregate classification (germline): Uncertain significance (1 of 4 stars; one submission).

Conditions:
Inborn genetic diseases. Identifiers: MedGen C0950123, MeSH D030342.

Submission:

Ambry Genetics
Classification: Uncertain significance for Inborn genetic diseases. Last evaluated: 2024-05-05. Review status: criteria provided, single submitter. Criteria: Ambry Variant Classification Scheme 2023. Collection method: clinical testing. Allele origin: germline.
Comment: The p.L1266M variant (also known as c.3796C>A), located in coding exon 28 of the LTBP3 gene, results from a C to A substitution at nucleotide position 3796. The leucine at codon 1266 is replaced by methionine, an amino acid with highly similar properties. This amino acid position is conserved. In addition, this alteration is predicted to be tolerated by in silico analysis. Based on the available evidence, the clinical significance of this variant remains unclear.

NM_001130144.3(LTBP3):c.3796C>A (p.Leu1266Met)

Gene: LTBP3 (latent transforming growth factor beta binding protein 3; minus strand). Cytogenetic location: 11q13.1.
Variant type: single nucleotide variant.
Coding change: c.3796C>A on transcript NM_001130144.3 (MANE Select); coding-DNA position 3796, C replaced by A.
Protein change: p.Leu1266Met; replaces leucine 1266 with methionine.
Molecular consequence: missense variant.
Genome position (GRCh38, 1-based): chr11:65,539,196, G>T on the plus strand (C>A on the coding strand, the complement: LTBP3 is on the minus strand). VCF-style: chr11-65539196-G-T. GRCh37 (hg19) VCF-style: chr11-65306667-G-T.
Other names: c.3304C>A, p.Leu1102Met (NM_001164266.1); c.3655C>A, p.Leu1219Met (NM_021070.4); short protein forms L1102M, L1266M, L1219M.
Identifiers: ClinVar variation 3292247 (VCV003292247.1).
Genomic context (GRCh38, chr11:65,539,196, plus strand): 5'-CTTTGCAGACGCAGCGGAAGGAGCCGCTGGTGTTCACGCAGCGCTCGCTCTTGCACAGCA[G>T]CCCGCGCTGGTTCAGCTCTCGGCACTCGTCGATATCTGAAGGTGAGGGCGACAGGTGCGG-3'
Protein context (NP_001123616.1, residues 1256-1276): DECRELNQRG[Leu1266Met]LCKSERCVNT